The following is an entry in ClinVar:

ClinVar aggregate classification (germline): Uncertain significance (1 of 4 stars; one submission).

Conditions:
Episodic ataxia type 2 (EA2). Also called: CEREBELLAR ATAXIA, PAROXYSMAL, ACETAZOLAMIDE-RESPONSIVE; CEREBELLOPATHY, HEREDITARY PAROXYSMAL; EPISODIC ATAXIA, NYSTAGMUS-ASSOCIATED; ACETAZOLAMIDE-RESPONSIVE HEREDITARY PAROXYSMAL CEREBELLAR ATAXIA; ATAXIA, EPISODIC, WITH NYSTAGMUS; ATAXIA, FAMILIAL PAROXYSMAL. Identifiers: Orphanet 97, MedGen C1720416, MONDO:0007163, OMIM 108500.
Developmental and epileptic encephalopathy, 42 (DEE42A). Also called: Epileptic encephalopathy, early infantile, 42; DEVELOPMENTAL AND EPILEPTIC ENCEPHALOPATHY 42A; EPILEPTIC ENCEPHALOPATHY, EARLY INFANTILE, 42A. Identifiers: MedGen C4310716, MONDO:0014917, OMIM 617106.

Submission:

Labcorp Genetics (formerly Invitae), Labcorp
Classification: Uncertain significance for Developmental and epileptic encephalopathy, 42; Episodic ataxia type 2. Last evaluated: 2023-04-06. Review status: criteria provided, single submitter. Criteria: Invitae Variant Classification Sherloc (09022015). Collection method: clinical testing. Allele origin: germline.
Comment: This sequence change falls in intron 32 of the CACNA1A gene. It does not directly change the encoded amino acid sequence of the CACNA1A protein. It affects a nucleotide within the consensus splice site. This variant is not present in population databases (gnomAD no frequency). This variant has not been reported in the literature in individuals affected with CACNA1A-related conditions. Variants that disrupt the consensus splice site are a relatively common cause of aberrant splicing (PMID: 17576681, 9536098). Algorithms developed to predict the effect of sequence changes on RNA splicing suggest that this variant is not likely to affect RNA splicing. In summary, the available evidence is currently insufficient to determine the role of this variant in disease. Therefore, it has been classified as a Variant of Uncertain Significance.

Literature cited by the submitters: PubMed 17576681; PubMed 9536098.

NM_001127222.2(CACNA1A):c.5068-3C>T

Gene: CACNA1A (calcium voltage-gated channel subunit alpha1 A; minus strand). Cytogenetic location: 19p13.13.
Variant type: single nucleotide variant.
Coding change: c.5068-3C>T on transcript NM_001127222.2 (MANE Select); 3 bases into the intron before coding-DNA position 5068, C replaced by T.
Molecular consequence: intron variant.
Genome position (GRCh38, 1-based): chr19:13,235,277, G>A on the plus strand (C>T on the coding strand, the complement: CACNA1A is on the minus strand). VCF-style: chr19-13235277-G-A. GRCh37 (hg19) VCF-style: chr19-13346091-G-A.
Other names: c.5071-3C>T (NM_001127221.2); c.5077-3C>T (NM_001174080.2); c.5086-3C>T (NM_000068.4, NM_023035.3).
Identifiers: ClinVar variation 2946207 (VCV002946207.3), dbSNP rs2512645929, ClinGen allele CA2582818915.